The following is an entry in ClinVar:

NM_016222.4(DDX41):c.28-3C>T

Gene: DDX41 (DEAD-box helicase 41; minus strand). Cytogenetic location: 5q35.3.
Variant type: single nucleotide variant.
Coding change: c.28-3C>T on transcript NM_016222.4 (MANE Select); 3 bases into the intron before coding-DNA position 28, C replaced by T.
Molecular consequence: intron variant.
Genome position (GRCh38, 1-based): chr5:177,516,838, G>A on the plus strand (C>T on the coding strand, the complement: DDX41 is on the minus strand). VCF-style: chr5-177516838-G-A. GRCh37 (hg19) VCF-style: chr5-176943839-G-A.
Other names: c.-420-3C>T (NM_001321830.2); c.-628-3C>T (NM_001321732.2).
Identifiers: ClinVar variation 4617161 (VCV004617161.1).
Genomic context (GRCh38, chr5:177,516,838, plus strand): 5'-CCTCATCTTCCGCCTCGGAGCGGCTTCCTCCGGCAGGCACCTCGTCGGTGCGAGCCCGCT[G>A]CAAGCACACGCCAGTCAGGCACGGCCTGCTCCCCTCTTCACGCCCGCTCCCACACGCGCG-3'

ClinVar aggregate classification (germline): Uncertain significance (1 of 4 stars; one submission).

Conditions:
Inborn genetic diseases. Identifiers: MedGen C0950123, MeSH D030342.

Submission:

Ambry Genetics
Classification: Uncertain significance for Inborn genetic diseases. Last evaluated: 2025-11-04. Review status: criteria provided, single submitter. Criteria: Ambry Variant Classification Scheme 2023. Collection method: clinical testing. Allele origin: germline.
Comment: The c.28-3C>T intronic variant results from a C to T substitution 3 nucleotides upstream from coding exon 2 in the DDX41 gene. This nucleotide position is well conserved in available vertebrate species. In silico splice site analysis predicts that this alteration will not have any significant effect on splicing. Based on the available evidence, the clinical significance of this variant remains unclear.